The following is an entry in ClinVar:

ClinVar aggregate classification (germline): Uncertain significance. Review status: criteria provided, multiple submitters, no conflicts (2 of 4 stars). 2 submissions from 2 submitters: Uncertain significance (2). Last evaluated 2026-02-19.

gnomAD v4.1: 34 of 1,613,294 alleles (0.0021%); highest among the groups gnomAD compares: Middle Eastern, 0.016%; no homozygotes.

Submissions (2):

Dasa
Classification: Uncertain significance. Last evaluated: 2026-02-19. Review status: criteria provided, single submitter. Criteria: DASA Assertion Criteria. Collection method: clinical testing. Allele origin: germline.
Comment: NM_015103.3(PLXND1):c.736C>T (p.Arg246Cys) is a missense variant that results in the substitution of arginine with cysteine. This variant is rare in population databases. The currently available literature and clinical evidence are not sufficient to establish a definitive association between this variant and the reported condition. Therefore, this variant is classified as a variant of uncertain significance.

Ambry Genetics
Classification: Uncertain significance. Last evaluated: 2025-08-07. Review status: criteria provided, single submitter. Criteria: Ambry Variant Classification Scheme 2023. Collection method: clinical testing. Allele origin: germline.

NM_015103.3(PLXND1):c.736C>T (p.Arg246Cys)

Gene: PLXND1 (plexin D1; minus strand). Cytogenetic location: 3q22.1.
Variant type: single nucleotide variant.
Coding change: c.736C>T on transcript NM_015103.3 (MANE Select); coding-DNA position 736, C replaced by T.
Protein change: p.Arg246Cys; replaces arginine 246 with cysteine.
Molecular consequence: missense variant.
Genome position (GRCh38, 1-based): chr3:129,605,904, G>A on the plus strand (C>T on the coding strand, the complement: PLXND1 is on the minus strand). VCF-style: chr3-129605904-G-A. GRCh37 (hg19) VCF-style: chr3-129324747-G-A.
Other names: short protein forms R246C.
Identifiers: ClinVar variation 4140300 (VCV004140300.3).